The following is an entry in ClinVar:

ClinVar aggregate classification (germline): Uncertain significance. Review status: criteria provided, multiple submitters, no conflicts (2 of 4 stars). 8 submissions from 4 submitters: Uncertain significance (8). Last evaluated 2026-09-16.

Conditions:
TTN-related disorder. Also called: TTN-related condition; TTN-related disease; TTN-related disorders.
Myopathy, myofibrillar, 9, with early respiratory failure (MFM9). Also called: Myopathy, distal, with early respiratory failure, autosomal dominant; Hereditary myopathy with early respiratory failure; EDSTROM MYOPATHY; MYOPATHY, PROXIMAL, WITH EARLY RESPIRATORY MUSCLE INVOLVEMENT. Identifiers: Orphanet 178464, Orphanet 34521, MedGen C1863599, MONDO:0011362, OMIM 603689.
Autosomal recessive limb-girdle muscular dystrophy type 2J (LGMDR10). Also called: MUSCULAR DYSTROPHY, LIMB-GIRDLE, AUTOSOMAL RECESSIVE 10; Limb-girdle muscular dystrophy, type 2J. Identifiers: Orphanet 140922, MedGen C1837342, MONDO:0012127, OMIM 608807.
Tibial muscular dystrophy (TMD). Also called: UDD MYOPATHY; Udd Distal Myopathy – Tibial Muscular Dystrophy; Tibial muscular dystrophy, tardive. Identifiers: Orphanet 609, MedGen C1838244, MONDO:0010870, OMIM 600334.
Early-onset myopathy with fatal cardiomyopathy (CMYO5). Also called: CONGENITAL MYOPATHY 5 WITH CARDIOMYOPATHY; Salih Myopathy. Identifiers: Orphanet 289377, MedGen C2673677, MONDO:0012714, OMIM 611705. Disease mechanism: loss of function.
Dilated cardiomyopathy 1G (CMD1G). Identifiers: Orphanet 154, MedGen C1858763, MONDO:0011400, OMIM 604145.

Allele frequency attached by ClinVar (database versions not stated): ExAC 0.00001; gnomAD exomes 0.00001 and 0.00005; TOPMed 0.00003; gnomAD 0.00005; ESP Exome Variant Server 0.00008.
gnomAD v4.1: 84 of 1,587,324 alleles (0.0053%); highest among the groups gnomAD compares: Non-Finnish European, 0.0069%; no homozygotes.

Submissions (8):

PreventionGenetics, part of Exact Sciences
Classification: Uncertain significance for TTN-related condition. Last evaluated: 2026-09-16. Review status: criteria provided, single submitter. Criteria: ACMG Guidelines, 2015. Collection method: clinical testing. Allele origin: germline.
Comment: The TTN c.15253G>A variant is predicted to result in the amino acid substitution p.Asp5085Asn. To our knowledge, this variant has not been reported in the literature. This variant is reported in 0.0019% of alleles in individuals of European (Non-Finnish) descent in gnomAD. At this time, the clinical significance of this variant is uncertain due to the absence of conclusive functional and genetic evidence.

Mayo Clinic Laboratories, Mayo Clinic
Classification: Uncertain significance. Last evaluated: 2025-05-25. Review status: criteria provided, single submitter. Criteria: ACMG Guidelines, 2015. Collection method: clinical testing. Allele origin: germline. Observed: 1 variant allele.
Comment: BP4_moderate, PM2_supporting

Revvity Omics, Revvity
Classification: Uncertain significance. Last evaluated: 2021-10-09. Review status: criteria provided, single submitter. Criteria: ACMG Guidelines, 2015. Collection method: clinical testing. Allele origin: germline.

Illumina Laboratory Services, Illumina
Classification: Uncertain significance for Myopathy, myofibrillar, 9, with early respiratory failure. Last evaluated: 2018-01-12. Review status: criteria provided, single submitter. Criteria: ICSL Variant Classification Criteria 13 December 2019. Collection method: clinical testing. Allele origin: germline.

Illumina Laboratory Services, Illumina
Classification: Uncertain significance for Tibial muscular dystrophy. Last evaluated: 2018-01-12. Review status: criteria provided, single submitter. Criteria: ICSL Variant Classification Criteria 13 December 2019. Collection method: clinical testing. Allele origin: germline.

Illumina Laboratory Services, Illumina
Classification: Uncertain significance for Autosomal recessive limb-girdle muscular dystrophy type 2J. Last evaluated: 2018-01-12. Review status: criteria provided, single submitter. Criteria: ICSL Variant Classification Criteria 13 December 2019. Collection method: clinical testing. Allele origin: germline.

Illumina Laboratory Services, Illumina
Classification: Uncertain significance for Early-onset myopathy with fatal cardiomyopathy. Last evaluated: 2018-01-12. Review status: criteria provided, single submitter. Criteria: ICSL Variant Classification Criteria 13 December 2019. Collection method: clinical testing. Allele origin: germline.

Illumina Laboratory Services, Illumina
Classification: Uncertain significance for Dilated cardiomyopathy 1G. Last evaluated: 2018-01-12. Review status: criteria provided, single submitter. Criteria: ICSL Variant Classification Criteria 13 December 2019. Collection method: clinical testing. Allele origin: germline.

NM_001267550.2(TTN):c.15253G>A (p.Asp5085Asn)

Gene: TTN (titin; minus strand). Cytogenetic location: 2q31.2.
Variant type: single nucleotide variant.
Coding change: c.15253G>A on transcript NM_001267550.2 (MANE Select); coding-DNA position 15253, G replaced by A.
Protein change: p.Asp5085Asn; replaces aspartic acid 5085 with asparagine.
Molecular consequence: missense variant. On other transcripts: intron variant (3).
Genome position (GRCh38, 1-based): chr2:178,734,571, C>T on the plus strand (G>A on the coding strand, the complement: TTN is on the minus strand). VCF-style: chr2-178734571-C-T. GRCh37 (hg19) VCF-style: chr2-179599298-C-T.
Other names: p.Asp4768Asn; c.14302G>A, p.Asp4768Asn (NM_001256850.1); c.11521G>A, p.Asp3841Asn (NM_133378.4); c.13282+3511G>A (NM_003319.4); c.13858+3511G>A (NM_133437.4); c.13657+3511G>A (NM_133432.3); short protein forms D4768N, D3841N, D5085N.
Identifiers: ClinVar variation 893457 (VCV000893457.8), dbSNP rs374299783, ClinGen allele CA2002258.